The following is an entry in ClinVar:

ClinVar aggregate classification (germline): Uncertain significance (0 of 4 stars; one submission).

Conditions:
PCNT-related disorder. Also called: PCNT-related condition.

Allele frequency attached by ClinVar (database versions not stated): gnomAD exomes 0.00002; ExAC 0.00006; gnomAD 0.00011; TOPMed 0.00012.
gnomAD v4.1: 49 of 1,597,386 alleles (0.0031%); highest among the groups gnomAD compares: African/African-American, 0.029%; no homozygotes.

Submission:

PreventionGenetics, part of Exact Sciences
Classification: Uncertain significance for PCNT-related condition. Last evaluated: 2024-05-29. Review status: no assertion criteria provided. Collection method: clinical testing. Allele origin: germline.
Comment: The PCNT c.5878C>T variant is predicted to result in the amino acid substitution p.Arg1960Trp. To our knowledge, this variant has not been reported in the literature. This variant is reported in 0.022% of alleles in individuals of African descent in gnomAD. At this time, the clinical significance of this variant is uncertain due to the absence of conclusive functional and genetic evidence.

NM_006031.6(PCNT):c.5878C>T (p.Arg1960Trp)

Gene: PCNT (pericentrin; plus strand). Cytogenetic location: 21q22.3.
Variant type: single nucleotide variant.
Coding change: c.5878C>T on transcript NM_006031.6 (MANE Select); coding-DNA position 5878, C replaced by T.
Protein change: p.Arg1960Trp; replaces arginine 1960 with tryptophan.
Molecular consequence: missense variant.
Genome position (GRCh38, 1-based): chr21:46,411,951, C>T. VCF-style: chr21-46411951-C-T. GRCh37 (hg19) VCF-style: chr21-47831865-C-T.
Other names: c.5524C>T, p.Arg1842Trp (NM_001315529.2); short protein forms R1842W, R1960W.
Identifiers: ClinVar variation 2634310 (VCV002634310.2), dbSNP rs776742049, ClinGen allele CA10080110.